The following is an entry in ClinVar:

ClinVar aggregate classification (germline): Uncertain significance (1 of 4 stars; one submission).

Conditions:
Progeroid and marfanoid aspect-lipodystrophy syndrome. Also called: MARFANOID-PROGEROID SYNDROME; MARFAN-PROGEROID-LIPODYSTROPHY SYNDROME; Marfan lipodystrophy syndrome; MARFANOID-PROGEROID-LIPODYSTROPHY SYNDROME. Identifiers: Orphanet 300382, MedGen C4310796, MONDO:0014831, OMIM 616914.

Submission:

Centre for Mendelian Genomics, University Medical Centre Ljubljana
Classification: Uncertain significance for Progeroid and marfanoid aspect-lipodystrophy syndrome. Last evaluated: 2019-02-28. Review status: criteria provided, single submitter. Criteria: ACMG Guidelines, 2015. Collection method: clinical testing. Allele origin: unknown. Affected: yes.
Comment: This variant was classified as: Uncertain significance. The available evidence on this variant's pathogenicity is insufficient or conflicting. The following ACMG criteria were applied in classifying this variant: PM1,PM2.

NM_000138.5(FBN1):c.6053T>C (p.Val2018Ala)

Gene: FBN1 (fibrillin 1; minus strand). Cytogenetic location: 15q21.1.
Variant type: single nucleotide variant.
Coding change: c.6053T>C on transcript NM_000138.5 (MANE Select); coding-DNA position 6053, T replaced by C.
Protein change: p.Val2018Ala; replaces valine 2018 with alanine.
Molecular consequence: missense variant.
Genome position (GRCh38, 1-based): chr15:48,441,831, A>G on the plus strand (T>C on the coding strand, the complement: FBN1 is on the minus strand). VCF-style: chr15-48441831-A-G. GRCh37 (hg19) VCF-style: chr15-48734028-A-G.
Other names: short protein forms V2018A.
Identifiers: ClinVar variation 931972 (VCV000931972.3), dbSNP rs2043117596, ClinGen allele CA392338582.